The following is an entry in ClinVar:

ClinVar aggregate classification (germline): Uncertain significance. Review status: criteria provided, multiple submitters, no conflicts (2 of 4 stars). 3 submissions from 3 submitters: Uncertain significance (3). Last evaluated 2025-06-25.

Conditions:
Catecholaminergic polymorphic ventricular tachycardia 1. Also called: VENTRICULAR TACHYCARDIA, STRESS-INDUCED POLYMORPHIC 1; VENTRICULAR TACHYCARDIA, CATECHOLAMINERGIC POLYMORPHIC, 1, WITH OR WITHOUT ATRIAL DYSFUNCTION AND/OR DILATED CARDIOMYOPATHY; RYR2-Related Catecholaminergic Polymorphic Ventricular Tachycardia. Identifiers: Orphanet 3286, MedGen C1631597, MONDO:0011484, OMIM 604772.
Cardiovascular phenotype. Identifiers: MedGen CN230736.
Cardiomyopathy (CMYO). Also called: Cardiomyopathies. Identifiers: Orphanet 167848, MedGen C0878544, MONDO:0004994, HP:0001638. Inheritance: Various modes of inheritance.

Allele frequency attached by ClinVar (database versions not stated): gnomAD exomes below 0.00001 and 0.00001; gnomAD 0.00001; TOPMed 0.00001; ExAC 0.00002; ESP Exome Variant Server 0.00008.
gnomAD v4.1: 12 of 1,613,794 alleles (0.00074%); highest among the groups gnomAD compares: Non-Finnish European, 0.001%; no homozygotes.

Submissions (3):

Color Diagnostics, LLC DBA Color Health
Classification: Uncertain significance for Cardiomyopathy. Last evaluated: 2025-06-25. Review status: criteria provided, single submitter. Criteria: ACMG Guidelines, 2015. Collection method: clinical testing. Allele origin: germline.
Comment: This missense variant replaces alanine with threonine at codon 1319 of the RYR2 protein. Computational prediction suggests that this variant may not impact protein structure and function. To our knowledge, functional studies have not been reported for this variant. This variant has not been reported in individuals affected with RYR2-related disorders in the literature. This variant has been identified in 2/280318 chromosomes in the general population by the Genome Aggregation Database (gnomAD). The available evidence is insufficient to determine the role of this variant in disease conclusively. Therefore, this variant is classified as a Variant of Uncertain Significance.

Labcorp Genetics (formerly Invitae), Labcorp
Classification: Uncertain significance for Catecholaminergic polymorphic ventricular tachycardia 1. Last evaluated: 2025-06-22. Review status: criteria provided, single submitter. Criteria: Invitae Variant Classification Sherloc (09022015). Collection method: clinical testing. Allele origin: germline.
Comment: This sequence change replaces alanine, which is neutral and non-polar, with threonine, which is neutral and polar, at codon 1319 of the RYR2 protein (p.Ala1319Thr). This variant is present in population databases (rs376526841, gnomAD 0.002%). This variant has not been reported in the literature in individuals affected with RYR2-related conditions. ClinVar contains an entry for this variant (Variation ID: 1523167). Invitae Evidence Modeling of protein sequence and biophysical properties (such as structural, functional, and spatial information, amino acid conservation, physicochemical variation, residue mobility, and thermodynamic stability) indicates that this missense variant is not expected to disrupt RYR2 protein function with a negative predictive value of 95%. In summary, the available evidence is currently insufficient to determine the role of this variant in disease. Therefore, it has been classified as a Variant of Uncertain Significance.

Ambry Genetics
Classification: Uncertain significance for Cardiovascular phenotype. Last evaluated: 2022-03-24. Review status: criteria provided, single submitter. Criteria: Ambry Variant Classification Scheme 2023. Collection method: clinical testing. Allele origin: germline.
Comment: The p.A1319T variant (also known as c.3955G>A), located in coding exon 31 of the RYR2 gene, results from a G to A substitution at nucleotide position 3955. The alanine at codon 1319 is replaced by threonine, an amino acid with similar properties. This amino acid position is not well conserved in available vertebrate species. In addition, this alteration is predicted to be tolerated by in silico analysis. Since supporting evidence is limited at this time, the clinical significance of this alteration remains unclear.

NM_001035.3(RYR2):c.3955G>A (p.Ala1319Thr)

Genes: RYR2 (ryanodine receptor 2; plus strand), LOC126806067 (BRD4-independent group 4 enhancer GRCh37_chr1:237753258-237754457; plus strand). Cytogenetic location: 1q43.
Variant type: single nucleotide variant.
Coding change: c.3955G>A on transcript NM_001035.3 (MANE Select); coding-DNA position 3955, G replaced by A.
Protein change: p.Ala1319Thr; replaces alanine 1319 with threonine.
Molecular consequence: missense variant.
Genome position (GRCh38, 1-based): chr1:237,590,787, G>A. VCF-style: chr1-237590787-G-A. GRCh37 (hg19) VCF-style: chr1-237754087-G-A.
Other names: short protein forms A1319T.
Identifiers: ClinVar variation 1523167 (VCV001523167.13), dbSNP rs376526841, ClinGen allele CA086508.